The following is an entry in ClinVar:

NM_198510.3(ITIH6):c.3238+2T>C

Gene: ITIH6 (inter-alpha-trypsin inhibitor heavy chain family member 6; minus strand). Cytogenetic location: Xp11.22.
Variant type: single nucleotide variant.
Coding change: c.3238+2T>C on transcript NM_198510.3 (MANE Select); the canonical splice donor site of the intron after coding-DNA position 3238, T replaced by C.
Molecular consequence: splice donor variant.
Genome position (GRCh38, 1-based): chrX:54,753,928, A>G on the plus strand (T>C on the coding strand, the complement: ITIH6 is on the minus strand). VCF-style: chrX-54753928-A-G. GRCh37 (hg19) VCF-style: chrX-54780361-A-G.
Identifiers: ClinVar variation 3048952 (VCV003048952.2), dbSNP rs146907002, ClinGen allele CA10425960.
Genomic context (GRCh38, chrX:54,753,928, plus strand): 5'-CAGTCCCAGTGCACAAGCTGCCCTGTACTCAAACAGGGGAGCCATGGGGGTGACTGGCTT[A>G]CCTGAGGAGGAGAAGGTGAAGATGCTAGGCAATGTGCCTGCAAAGGAGAGAGAGACTGTG-3'

ClinVar aggregate classification (germline): Likely benign (0 of 4 stars; one submission).

Conditions:
ITIH6-related disorder. Also called: ITIH6-related condition.

Allele frequency attached by ClinVar (database versions not stated): gnomAD exomes 0.00017; ExAC 0.00046; 1000 Genomes Project 0.00106; TOPMed 0.00122; gnomAD 0.00131; ESP Exome Variant Server 0.00142; 1000 Genomes Project 30x 0.00146.
gnomAD v4.1: 332 of 1,207,671 alleles (0.027%); highest among the groups gnomAD compares: African/African-American, 0.46%; no homozygotes.

Submission:

PreventionGenetics, part of Exact Sciences
Classification: Likely benign for ITIH6-related condition. Last evaluated: 2023-05-11. Review status: no assertion criteria provided. Collection method: clinical testing. Allele origin: germline.
Comment: This variant is classified as likely benign based on ACMG/AMP sequence variant interpretation guidelines (Richards et al. 2015 PMID: 25741868, with internal and published modifications).